The following is an entry in ClinVar:

NM_020719.3(PRR12):c.1237G>A (p.Ala413Thr)

Gene: PRR12 (proline rich 12; plus strand). Cytogenetic location: 19q13.33.
Variant type: single nucleotide variant.
Coding change: c.1237G>A on transcript NM_020719.3 (MANE Select); coding-DNA position 1237, G replaced by A.
Protein change: p.Ala413Thr; replaces alanine 413 with threonine.
Molecular consequence: missense variant.
Genome position (GRCh38, 1-based): chr19:49,595,572, G>A. VCF-style: chr19-49595572-G-A. GRCh37 (hg19) VCF-style: chr19-50098829-G-A.
Other names: short protein forms A413T.
Identifiers: ClinVar variation 3352279 (VCV003352279.1).

ClinVar aggregate classification (germline): Uncertain significance (0 of 4 stars; one submission).

Conditions:
PRR12-related disorder. Also called: PRR12-related condition.

gnomAD v4.1: 32 of 1,554,334 alleles (0.0021%); highest among the groups gnomAD compares: Middle Eastern, 0.018%; no homozygotes.

Submission:

PreventionGenetics, part of Exact Sciences
Classification: Uncertain significance for PRR12-related condition. Last evaluated: 2024-04-26. Review status: no assertion criteria provided. Collection method: clinical testing. Allele origin: germline.
Comment: The PRR12 c.1237G>A variant is predicted to result in the amino acid substitution p.Ala413Thr. To our knowledge, this variant has not been reported in the literature. This variant is reported in 0.0045% of alleles in individuals of European (Non-Finnish) descent in gnomAD. At this time, the clinical significance of this variant is uncertain due to the absence of conclusive functional and genetic evidence.